The following is an entry in ClinVar:

NC_000006.11:g.(?_88244587)_(88299675_?)del

Gene: RARS2 (arginyl-tRNA synthetase 2, mitochondrial; minus strand). Cytogenetic location: 6q15.
Variant type: Deletion.
Identifiers: ClinVar variation 3246229 (VCV003246229.1).

ClinVar aggregate classification (germline): Pathogenic (1 of 4 stars; one submission).

Submission:

Labcorp Genetics (formerly Invitae), Labcorp
Classification: Pathogenic. Last evaluated: 2023-03-22. Review status: criteria provided, single submitter. Criteria: Invitae Variant Classification Sherloc (09022015). Collection method: clinical testing. Allele origin: unknown.
Comment: For these reasons, this variant has been classified as Pathogenic. This variant has not been reported in the literature in individuals affected with RARS2-related conditions. This variant is a gross deletion of the genomic region encompassing exon(s) 1-8 of the RARS2 gene, which includes the initiator codon. This deletion extends beyond the assayed region for this gene and therefore may encompass additional genes. It is expected to result in an absent or disrupted protein product. Loss-of-function variants in RARS2 are known to be pathogenic (PMID: 17847012, 22569581, 26083569).

Literature cited by the submitters: PubMed 17847012; PubMed 22569581; PubMed 26083569.